The following is an entry in ClinVar:

ClinVar aggregate classification (germline): Likely benign (1 of 4 stars; one submission).

Conditions:
Ehlers-Danlos syndrome, type 4 (EDSVASC). Also called: Ehlers-Danlos syndrome vascular type; Ehlers Danlos syndrome, ecchymotic type; Ehlers Danlos syndrome, arterial type; Ehlers Danlos syndrome, Sack-Barabas type; Ehlers-Danlos Syndrome Type IV. Identifiers: Orphanet 286, MedGen C0268338, MONDO:0017314, OMIM 130050.

gnomAD v4.1: 1 of 1,612,722 alleles (0.000062%); highest among the groups gnomAD compares: African/African-American, 0.0013%; no homozygotes.

Submission:

All of Us Research Program, National Institutes of Health
Classification: Likely benign for Ehlers-Danlos syndrome, type 4. Last evaluated: 2024-02-22. Review status: criteria provided, single submitter. Criteria: ACMG Guidelines, 2015. Collection method: clinical testing. Allele origin: germline. Inheritance: Autosomal dominant inheritance. Observed: 1 variant allele, 1 heterozygote.
Comment: This study involves interpretation of variants in research participants for the purpose of population health screening. Participant phenotype was not available at the time of variant classification. Additional details can be found in publication PMID: 35346344, PMCID: PMC8962531

NM_000090.4(COL3A1):c.1762-15C>A

Gene: COL3A1 (collagen type III alpha 1 chain; plus strand). Cytogenetic location: 2q32.2.
Variant type: single nucleotide variant.
Coding change: c.1762-15C>A on transcript NM_000090.4 (MANE Select); 15 bases into the intron before coding-DNA position 1762, C replaced by A.
Molecular consequence: intron variant.
Genome position (GRCh38, 1-based): chr2:188,997,150, C>A. VCF-style: chr2-188997150-C-A. GRCh37 (hg19) VCF-style: chr2-189861876-C-A.
Identifiers: ClinVar variation 3386455 (VCV003386455.1).